The following is an entry in ClinVar:

NM_058195.4(CDKN2A):c.9C>A (p.Arg3=)

Gene: CDKN2A (cyclin dependent kinase inhibitor 2A; minus strand). Cytogenetic location: 9p21.3.
Variant type: single nucleotide variant.
Coding change: c.9C>A on transcript NM_058195.4 (MANE Plus Clinical); coding-DNA position 9, C replaced by A.
Protein change: p.Arg3=; no amino-acid change (arginine 3 retained).
Molecular consequence: synonymous variant. On other transcripts: intron variant (1).
Genome position (GRCh38, 1-based): chr9:21,994,323, G>T on the plus strand (C>A on the coding strand, the complement: CDKN2A is on the minus strand). VCF-style: chr9-21994323-G-T. GRCh37 (hg19) VCF-style: chr9-21994322-G-T.
Other names: c.-4+498C>A (NM_001363763.2).
Identifiers: ClinVar variation 1768911 (VCV001768911.3), dbSNP rs2489328437, ClinGen allele CA464100392.
Genomic context (GRCh38, chr9:21,994,323, plus strand): 5'-GAAAACCCTCACTCGCGGCGGGCCGCACGCGCGCCGAATCCGGAGGGTCACCAAGAACCT[G>T]CGCACCATGTTCTCGCCGCCTCCAGGGCCGAGCTCGGCAGCCGCTGCGCCGCCCTTTGGC-3'
Protein context (NP_478102.2, residues 1-13): MV[Arg3=]RFLVTLRIRR

ClinVar aggregate classification (germline): Benign/Likely benign. Review status: criteria provided, multiple submitters, no conflicts (2 of 4 stars). 2 submissions from 2 submitters: Benign (1); Likely benign (1). Last evaluated 2025-08-12.

Conditions:
Hereditary cancer-predisposing syndrome. Also called: Hereditary neoplastic syndrome; Neoplastic Syndromes, Hereditary; Tumor predisposition; Hereditary Cancer Syndrome. Identifiers: Orphanet 140162, MedGen C0027672, MeSH D009386, MONDO:0015356.
Melanoma-pancreatic cancer syndrome. Identifiers: Orphanet 404560, MedGen C1838547, MONDO:0011713, OMIM 606719. Disease mechanism: loss of function.

Submissions (2):

Myriad Genetics, Inc.
Classification: Benign for Melanoma-pancreatic cancer syndrome. Last evaluated: 2025-08-12. Review status: criteria provided, single submitter. Criteria: Myriad Autosomal Dominant, Autosomal Recessive and X-Linked Classification Criteria (2023). Collection method: clinical testing. Allele origin: unknown.
Comment: This variant is considered benign. This variant is a silent/synonymous amino acid change and it is not expected to impact splicing.

Ambry Genetics
Classification: Likely benign for Hereditary cancer-predisposing syndrome. Last evaluated: 2022-09-21. Review status: criteria provided, single submitter. Criteria: Ambry Variant Classification Scheme 2023. Collection method: clinical testing. Allele origin: germline.